The following is an entry in ClinVar:

NM_005045.4(RELN):c.5923G>A (p.Gly1975Ser)

Gene: RELN (reelin; minus strand). Cytogenetic location: 7q22.1.
Variant type: single nucleotide variant.
Coding change: c.5923G>A on transcript NM_005045.4 (MANE Select); coding-DNA position 5923, G replaced by A.
Protein change: p.Gly1975Ser; replaces glycine 1975 with serine.
Molecular consequence: missense variant.
Genome position (GRCh38, 1-based): chr7:103,553,706, C>T on the plus strand (G>A on the coding strand, the complement: RELN is on the minus strand). VCF-style: chr7-103553706-C-T. GRCh37 (hg19) VCF-style: chr7-103194153-C-T.
Other names: c.5923G>A, p.Gly1975Ser (NM_173054.3); c.5923G>A (NM_173054.2); short protein forms G1975S.
Identifiers: ClinVar variation 167581 (VCV000167581.61), dbSNP rs114807343, ClinGen allele CA180374.

ClinVar aggregate classification (germline): Benign/Likely benign. Review status: criteria provided, multiple submitters, no conflicts (2 of 4 stars). 8 submissions from 8 submitters: Benign (4); Likely benign (4). Last evaluated 2026-06-10.

Conditions:
RELN-related disorder. Also called: RELN-related condition.
Familial temporal lobe epilepsy 7. Identifiers: Orphanet 101046, MedGen C4225327, MONDO:0014639, OMIM 616436.
Norman-Roberts syndrome (LIS2). Also called: Lissencephaly 2 (Norman-Roberts type). Identifiers: Orphanet 89844, MedGen C0796089, MONDO:0009760, OMIM 257320.

Allele frequency attached by ClinVar (database versions not stated): ExAC 0.00081; ESP Exome Variant Server 0.00269; gnomAD 0.00283 and 0.00300; 1000 Genomes Project 0.00260; TOPMed 0.00320; gnomAD exomes 0.00067; 1000 Genomes Project 30x 0.00312.
gnomAD v4.1: 808 of 1,614,100 alleles (0.05%); highest among the groups gnomAD compares: African/African-American, 0.93%; 6 homozygotes.

Submissions (9):

PreventionGenetics, part of Exact Sciences
Classification: Likely benign for RELN-related condition. Last evaluated: 2026-06-10. Review status: criteria provided, single submitter. Criteria: ACMG Guidelines, 2015. Collection method: clinical testing. Allele origin: germline.
Comment: This variant is classified as likely benign based on ACMG/AMP sequence variant interpretation guidelines (Richards et al. 2015 PMID: 25741868, with internal and published modifications).

Labcorp Genetics (formerly Invitae), Labcorp
Classification: Likely benign for Familial temporal lobe epilepsy 7; Norman-Roberts syndrome. Last evaluated: 2026-01-28. Review status: criteria provided, single submitter. Criteria: Invitae Variant Classification Sherloc (09022015). Collection method: clinical testing. Allele origin: germline.

CeGaT Center for Human Genetics Tuebingen
Classification: Benign. Last evaluated: 2025-07-01. Review status: criteria provided, single submitter. Criteria: CeGaT Center For Human Genetics Tuebingen Variant Classification Criteria Version 2. Collection method: clinical testing. Allele origin: germline. Affected: yes. Observed: 5 variant alleles.
Comment: RELN: BS1, BS2

Genomic Medicine Center of Excellence, King Faisal Specialist Hospital and Research Centre
Classification: Benign for Norman-Roberts syndrome. Last evaluated: 2024-04-04. Review status: criteria provided, single submitter. Criteria: ACMG Guidelines, 2015. Collection method: clinical testing. Allele origin: germline.

GeneDx
Classification: Likely benign. Last evaluated: 2022-01-13. Review status: criteria provided, single submitter. Criteria: GeneDx Variant Classification Process June 2021. Collection method: clinical testing. Allele origin: germline. Affected: yes.

Mayo Clinic Laboratories, Mayo Clinic
Classification: Benign. Last evaluated: 2020-10-06. Review status: criteria provided, single submitter. Criteria: ACMG Guidelines, 2015. Collection method: clinical testing. Allele origin: germline. Observed: 4 variant alleles.

Center for Pediatric Genomic Medicine, Children's Mercy Hospital and Clinics
Classification: Likely benign. Last evaluated: 2016-09-13. Review status: criteria provided, single submitter. Criteria: ACMG Guidelines, 2015. Collection method: clinical testing. Allele origin: germline.
ClinVar note: Converted during submission from Likely Benign to Likely benign.

Eurofins Ntd Llc (ga)
Classification: Benign. Last evaluated: 2014-02-07. Review status: criteria provided, single submitter. Criteria: EGL Classification Definitions 2015. Collection method: clinical testing. Allele origin: germline. Observed: 1 variant allele, 1 heterozygote.

Dr. Peter K. Rogan Lab, Western University
No classification provided (evidence only). Condition: Gastric cancer. Review status: no classification provided. Collection method: in vitro. Allele origin: not applicable. Functional consequence: retained intron. Not counted in ClinVar's aggregate classification.